The following is an entry in ClinVar:

NM_001007553.3(CSDE1):c.1-1700dup

Gene: CSDE1 (cold shock domain containing E1; minus strand). Cytogenetic location: 1p13.2.
Variant type: Duplication.
Coding change: c.1-1700dup on transcript NM_001007553.3 (MANE Select); 1700 bases into the intron before coding-DNA position 1, one base duplicated (A; older notation c.1-1700dupA).
Molecular consequence: intron variant. On other transcripts: frameshift variant (2).
Genome position (GRCh38, 1-based): chr1:114,741,590, T duplicated on the plus strand (A on the coding strand, the reverse complement: CSDE1 is on the minus strand). VCF-style (leftmost placement, unchanged base first): chr1-114741589-A-AT. GRCh37 (hg19) VCF-style: chr1-115284210-A-AT.
Other names: c.75dup, p.Ser26fs (NM_001130523.3, NM_001242891.2); c.1-1700dup (NM_001242893.2, NM_001242892.2, NM_007158.6); short protein forms S26fs.
Identifiers: ClinVar variation 1456687 (VCV001456687.6), dbSNP rs1051649561, ClinGen allele CA29066253.

ClinVar aggregate classification (germline): Pathogenic (1 of 4 stars; one submission).

Allele frequency attached by ClinVar (database versions not stated): gnomAD exomes below 0.00001 and 0.00001; gnomAD 0.00001; TOPMed 0.00001.

Submission:

Labcorp Genetics (formerly Invitae), Labcorp
Classification: Pathogenic. Last evaluated: 2021-10-06. Review status: criteria provided, single submitter. Criteria: Invitae Variant Classification Sherloc (09022015). Collection method: clinical testing. Allele origin: germline.
Comment: For these reasons, this variant has been classified as Pathogenic. This variant has not been reported in the literature in individuals affected with CSDE1-related conditions. This variant is not present in population databases (ExAC no frequency). This sequence change creates a premature translational stop signal (p.Ser26Ilefs*10) in the CSDE1 gene. It is expected to result in an absent or disrupted protein product. Loss-of-function variants in CSDE1 are known to be pathogenic (PMID: 31579823).

Literature cited by the submitters: PubMed 31579823.